The following is an entry in ClinVar:

NM_000059.4(BRCA2):c.7861del (p.Tyr2621fs)

Gene: BRCA2 (BRCA2 DNA repair associated; plus strand). Cytogenetic location: 13q13.1.
Variant type: Deletion.
Coding change: c.7861del on transcript NM_000059.4 (MANE Select); coding-DNA position 7861, one base deleted (T; older notation c.7861delT).
Protein change: p.Tyr2621fs; shifts the reading frame from tyrosine 2621.
Molecular consequence: frameshift variant.
Genome position (GRCh38, 1-based): chr13:32,362,578, T deleted; the last of 3 consecutive T bases (chr13:32,362,576-32,362,578); deleting any one gives the same sequence. VCF-style (leftmost placement, unchanged base first): chr13-32362575-GT-G. GRCh37 (hg19) VCF-style: chr13-32936712-GT-G.
Other names: 8089delT; short protein forms Y2621fs.
Identifiers: ClinVar variation 267038 (VCV000267038.5), dbSNP rs886040731, ClinGen allele CA10589453.
Genomic context (GRCh38, chr13:32,362,575, plus strand): 5'-TTGTTCAGGGCTCTGTGTGACACTCCAGGTGTGGATCCAAAGCTTATTTCTAGAATTTGG[GT>G]TTATAATCACTATAGATGGATCATATGGAAACTGGCAGCTATGGAATGTGCCTTTCCTAA-3'

ClinVar aggregate classification (germline): Pathogenic. Review status: reviewed by expert panel (3 of 4 stars). 2 submissions from 2 submitters: Pathogenic (1). 1 of the submissions does not count toward it. Last evaluated 2016-10-18.

Conditions:
Breast-ovarian cancer, familial, susceptibility to, 2 (BROVCA2). Also called: BRCA2 Hereditary Breast and Ovarian Cancer. Identifiers: Orphanet 145, MedGen C2675520, MONDO:0012933, OMIM 612555. Disease mechanism: loss of function.

Submissions (2):

Evidence-based Network for the Interpretation of Germline Mutant Alleles (ENIGMA)
Classification: Pathogenic for Breast-ovarian cancer, familial, susceptibility to, 2. Last evaluated: 2016-10-18. Review status: reviewed by expert panel. Criteria: ENIGMA BRCA1/2 Classification Criteria (2015). Collection method: curation. Allele origin: germline.
Comment: Variant allele predicted to encode a truncated non-functional protein.

Consortium of Investigators of Modifiers of BRCA1/2 (CIMBA), c/o University of Cambridge
Classification: Pathogenic for Breast-ovarian cancer, familial, susceptibility to, 2. Last evaluated: 2015-10-02. Review status: criteria provided, single submitter. Criteria: CIMBA Mutation Classification guidelines May 2016. Collection method: clinical testing. Allele origin: germline. Not counted in ClinVar's aggregate classification.